The following is an entry in ClinVar:

ClinVar aggregate classification (germline): Likely pathogenic (1 of 4 stars; one submission).

Conditions:
Koolen-de Vries syndrome (KDVS). Identifiers: Orphanet 96169, MedGen C1864871, MONDO:0012496, OMIM 610443.

Submission:

Labcorp Genetics (formerly Invitae), Labcorp
Classification: Likely pathogenic for Koolen-de Vries syndrome. Last evaluated: 2019-11-06. Review status: criteria provided, single submitter. Criteria: Invitae Variant Classification Sherloc (09022015). Collection method: clinical testing. Allele origin: germline.
Comment: This sequence change replaces alanine with arginine at codon 590 of the KANSL1 protein (p.Ala590Arg). The alanine residue is highly conserved and there is a moderate physicochemical difference between alanine and arginine. This variant is not present in population databases (ExAC no frequency). This variant has been observed in individual(s) with clinical features of Koolen-de Vries syndrome (Invitae). In at least one individual the variant was observed to be de novo. Algorithms developed to predict the effect of missense changes on protein structure and function are either unavailable or do not agree on the potential impact of this missense change (SIFT: "Tolerated"; PolyPhen-2: "Probably Damaging"; Align-GVGD: "Class C0"). In summary, the currently available evidence indicates that the variant is pathogenic, but additional data are needed to prove that conclusively. Therefore, this variant has been classified as Likely Pathogenic.

NM_015443.4(KANSL1):c.1768_1769delinsAG (p.Ala590Arg)

Gene: KANSL1 (KAT8 regulatory NSL complex subunit 1). Cytogenetic location: 17q21.31.
Variant type: Indel.
Coding change: c.1768_1769delinsAG on transcript NM_015443.4 (MANE Select); coding-DNA positions 1768 to 1769, the reference bases replaced by AG.
Protein change: p.Ala590Arg; replaces alanine 590 with arginine.
Molecular consequence: missense variant.
Genome position: GRCh38 VCF-style: chr17-46066616-GC-CT. GRCh37 (hg19) VCF-style: chr17-44143982-GC-CT.
Other names: c.1768_1769delinsAG, p.Ala590Arg (NM_001193465.2, NM_001193466.2, NM_001379198.1); short protein forms A590R.
Identifiers: ClinVar variation 936637 (VCV000936637.8), dbSNP rs2078387202, ClinGen allele CA1139665667.